The following is an entry in ClinVar:

NM_001377299.1(NDUFS2):c.422A>G (p.Tyr141Cys)

Gene: NDUFS2 (NADH:ubiquinone oxidoreductase core subunit S2; plus strand). Cytogenetic location: 1q23.3.
Variant type: single nucleotide variant.
Coding change: c.422A>G on transcript NM_001377299.1 (MANE Select); coding-DNA position 422, A replaced by G.
Protein change: p.Tyr141Cys; replaces tyrosine 141 with cysteine.
Molecular consequence: missense variant. On other transcripts: non-coding transcript variant (1).
Genome position (GRCh38, 1-based): chr1:161,209,221, A>G. VCF-style: chr1-161209221-A-G. GRCh37 (hg19) VCF-style: chr1-161179011-A-G.
Other names: c.422A>G, p.Tyr141Cys (NM_001166159.2, NM_001377298.1, NM_001377300.1 and 3 more transcripts); short protein forms Y141C.
Identifiers: ClinVar variation 1030813 (VCV001030813.3), dbSNP rs1665635198, ClinGen allele CA343379112.

ClinVar aggregate classification (germline): Uncertain significance. Review status: criteria provided, multiple submitters, no conflicts (2 of 4 stars). 2 submissions from 2 submitters: Uncertain significance (2). Last evaluated 2024-02-20.

Conditions:
Mitochondrial complex I deficiency, nuclear type 6. Also called: Mitochondrial complex 1 deficiency, nuclear type 6. Identifiers: MedGen C4748759, MONDO:0032611, OMIM 618228.

Allele frequency attached by ClinVar (database versions not stated): gnomAD exomes below 0.00001.
gnomAD v4.1: 2 of 1,614,058 alleles (0.00012%); highest among the groups gnomAD compares: Non-Finnish European, 0.000085%; no homozygotes.

Submissions (2):

Women's Health and Genetics/Laboratory Corporation of America, LabCorp
Classification: Uncertain significance. Last evaluated: 2024-02-20. Review status: criteria provided, single submitter. Criteria: LabCorp Variant Classification Summary - May 2015. Collection method: clinical testing. Allele origin: germline.
Comment: Variant summary: NDUFS2 c.422A>G (p.Tyr141Cys) results in a non-conservative amino acid change in the encoded protein sequence. Five of five in-silico tools predict a damaging effect of the variant on protein function. The variant was absent in 251448 control chromosomes. The available data on variant occurrences in the general population are insufficient to allow any conclusion about variant significance. c.422A>G has been reported in the literature in heterozygous individuals without a reported second variant affected with Mitochondrial Complex I Deficiency or Leigh syndrome (e.g. Jou_2019, Tuppen_2010). These reports do not provide unequivocal conclusions about association of the variant with Mitochondrial Complex I Deficiency, Nuclear Type 6. One publication reports experimental evidence evaluating an impact on protein function showing severely decreased levels of dNADH oxidase activity in an E.coli system, however, does not allow convincing conclusions about the variant effect (e.g. Alkhaldi_2023). The following publications have been ascertained in the context of this evaluation (PMID: 36462614, 30634555, 20819849). ClinVar contains an entry for this variant (Variation ID: 1030813). Based on the evidence outlined above, the variant was classified as uncertain significance.

Baylor Genetics
Classification: Uncertain significance for Mitochondrial complex I deficiency, nuclear type 6. Last evaluated: 2019-08-15. Review status: criteria provided, single submitter. Criteria: ACMG Guidelines, 2015. Collection method: clinical testing. Allele origin: unknown. Affected: yes.
Comment: This variant was determined to be of uncertain significance according to ACMG Guidelines, 2015 [PMID:25741868].

Literature cited by the submitters: PubMed 20819849 (cited by Women's Health and Genetics/Laboratory Corporation of America, LabCorp); PubMed 30634555 (cited by Women's Health and Genetics/Laboratory Corporation of America, LabCorp); PubMed 36462614 (cited by Women's Health and Genetics/Laboratory Corporation of America, LabCorp).